The following is an entry in ClinVar:

NM_138694.4(PKHD1):c.2280-10C>T

Gene: PKHD1 (PKHD1 ciliary IPT domain containing fibrocystin/polyductin; minus strand). Cytogenetic location: 6p12.2.
Variant type: single nucleotide variant.
Coding change: c.2280-10C>T on transcript NM_138694.4 (MANE Select); 10 bases into the intron before coding-DNA position 2280, C replaced by T.
Molecular consequence: intron variant.
Genome position (GRCh38, 1-based): chr6:52,048,629, G>A on the plus strand (C>T on the coding strand, the complement: PKHD1 is on the minus strand). VCF-style: chr6-52048629-G-A. GRCh37 (hg19) VCF-style: chr6-51913427-G-A.
Other names: c.2280-10C>T (NM_170724.3).
Identifiers: ClinVar variation 501911 (VCV000501911.22), dbSNP rs749295454, ClinGen allele CA3853263.

ClinVar aggregate classification (germline): Conflicting classifications of pathogenicity. Review status: criteria provided, conflicting classifications (1 of 4 stars). 4 submissions from 4 submitters: Uncertain significance (1); Likely benign (2). 1 of the submissions does not count toward it. Last evaluated 2026-01-25.

Conditions:
Autosomal recessive polycystic kidney disease (ARPKD). Also called: AR polycystic kidney disease. Identifiers: Orphanet 731, Orphanet 8378, MedGen C0085548, MeSH D017044, MONDO:0009889.

Allele frequency attached by ClinVar (database versions not stated): gnomAD 0.00003 and 0.00004; gnomAD exomes 0.00006 and 0.00021; TOPMed 0.00008; ExAC 0.00015.
gnomAD v4.1: 96 of 1,614,004 alleles (0.0059%); highest among the groups gnomAD compares: Admixed American, 0.075%; no homozygotes.

Submissions (4):

Labcorp Genetics (formerly Invitae), Labcorp
Classification: Likely benign for Autosomal recessive polycystic kidney disease. Last evaluated: 2026-01-25. Review status: criteria provided, single submitter. Criteria: Invitae Variant Classification Sherloc (09022015). Collection method: clinical testing. Allele origin: germline.

Women's Health and Genetics/Laboratory Corporation of America, LabCorp
Classification: Likely benign. Last evaluated: 2025-01-09. Review status: criteria provided, single submitter. Criteria: LabCorp Variant Classification Summary - May 2015. Collection method: clinical testing. Allele origin: germline.
Comment: Variant summary: PKHD1 c.2280-10C>T alters a non-conserved nucleotide located at a position not widely known to affect splicing. Consensus agreement among computation tools predict no significant impact on normal splicing. However, these predictions have yet to be confirmed by functional studies. The variant allele was found at a frequency of 0.00021 in 251258 control chromosomes, predominantly at a frequency of 0.0012 within the Latino subpopulation in the gnomAD database. This frequency is lower than the maximum estimated for a pathogenic variant in PKHD1 causing Polycystic Kidney And Hepatic Disease (0.0071). To our knowledge, no occurrence of c.2280-10C>T in individuals affected with Polycystic Kidney And Hepatic Disease and no experimental evidence demonstrating its impact on protein function have been reported. ClinVar contains an entry for this variant (Variation ID: 501911). Based on the evidence outlined above, the variant was classified as likely benign.

Eurofins Ntd Llc (ga)
Classification: Uncertain significance. Last evaluated: 2018-07-09. Review status: criteria provided, single submitter. Criteria: EGL ClinVar v180209 classification definitions. Collection method: clinical testing. Allele origin: germline. Observed: 3 variant alleles, 3 heterozygotes.

Natera, Inc.
Classification: Uncertain significance for Autosomal recessive polycystic kidney disease. Last evaluated: 2017-11-16. Review status: no assertion criteria provided. Collection method: clinical testing. Allele origin: germline. Not counted in ClinVar's aggregate classification.